The following is an entry in ClinVar:

ClinVar aggregate classification (germline): Pathogenic. Review status: criteria provided, multiple submitters, no conflicts (2 of 4 stars). 7 submissions from 7 submitters: Pathogenic (5). 2 of the submissions do not count toward it. Last evaluated 2024-11-25.

Conditions:
SBDS-related disorder. Also called: SBDS-related condition.
Aplastic anemia. Identifiers: Orphanet 182040, Orphanet 88, MedGen C0002874, MONDO:0015909, OMIM 609135, HP:0001915.
Shwachman-Diamond syndrome 1 (SDS1). Also called: LIPOMATOSIS OF PANCREAS, CONGENITAL. Identifiers: MedGen C4692625, MONDO:0044204, OMIM 260400.

Submissions (7):

Blueprint Genetics
Classification: Pathogenic for SBDS-related disorders. Last evaluated: 2024-11-25. Review status: criteria provided, single submitter. Criteria: ACMG Guidelines, 2015. Collection method: clinical testing. Allele origin: germline. Affected: yes. Observed: 5 variant alleles.

Baylor Genetics
Classification: Pathogenic for Aplastic anemia. Last evaluated: 2023-07-15. Review status: criteria provided, single submitter. Criteria: ACMG Guidelines, 2015. Collection method: clinical testing. Allele origin: unknown.

Broad Center for Mendelian Genomics, Broad Institute of MIT and Harvard
Classification: Pathogenic for Shwachman-Diamond syndrome 1. Last evaluated: 2023-05-02. Review status: criteria provided, single submitter. Criteria: ACMG Guidelines, 2015. Collection method: curation. Allele origin: germline. Inheritance: Autosomal recessive inheritance.
Comment: The p.Ser41AlafsTer18 variant in SBDS has been previously reported in at least 5 unrelated individuals with Swachman-Diamond syndrome (PMID: 31475115, PMID: 17539775, PMID: 24388329, PMID: 14984468) but has been identified in 0.002% (2/113580) of European (non-Finnish) chromosomes by the Genome Aggregation Database (gnomAD; dbSNP ID: rs1175585213). Although this variant has been seen in the general population in a heterozygous state, its frequency is low enough to be consistent with a recessive carrier frequency. These 5 previously reported unrelated individuals were compound heterozygotes who carried a reported pathogenic variant in unknown phase (ClinVar Variation ID: 3196, PMID: 31475115, PMID: 17539775, PMID: 24388329, PMID: 14984468), which increases the likelihood that the p.Ser41AlafsTer18 variant in SBDS is pathogenic. This variant has also been reported in ClinVar (Variation ID: 265256) and has been interpreted as pathogenic by GeneDx, Fulgent Genetics, and University of Chicago Genetic Services Laboratory. This variant is predicted to cause a frameshift, which alters the protein‚Äôs amino acid sequence beginning at position 41 and leads to a premature termination codon 18 amino acids downstream. This alteration is then predicted to lead to a truncated or absent protein. Loss of function of the SBDS gene is an established disease mechanism in autosomal recessive Swachman-Diamond syndrome. In summary, this variant meets criteria to be classified as pathogenic for autosomal recessive Swachman-Diamond syndrome. ACMG/AMP Criteria applied: PVS1, PM3_Strong, PM2_Supporting (Richards 2015).

Fulgent Genetics
Classification: Pathogenic for Shwachman-Diamond syndrome 1; Aplastic anemia. Last evaluated: 2022-04-19. Review status: criteria provided, single submitter. Criteria: ACMG Guidelines, 2015. Collection method: clinical testing. Allele origin: unknown.

GeneDx
Classification: Pathogenic. Last evaluated: 2016-06-07. Review status: criteria provided, single submitter. Criteria: GeneDx Variant Classification (06012015). Collection method: clinical testing. Allele origin: germline. Affected: yes.
Comment: The c.120delG pathogenic variant in the SBDS gene has been reported previously (as c.119delG due to alternate nomenclature) in association with Schwachman-Diamond syndrome (Boocock et al., 2003). The c.120delG variant causes a frameshift starting with codon Serine 41, changes this amino acid to an Alanine residue and creates a premature Stop codon at position 18 of the new reading frame, denoted p.Ser41AlafsX18. This variant is predicted to cause loss of normal protein function either through protein truncation or nonsense-mediated mRNA decay. The c.120delG variant was not observed in approximately 6500 individuals of European and African American ancestry in the NHLBI Exome Sequencing Project, indicating it is not a common benign variant in these populations. We interpret c.120delG as a pathogenic variant.

Genetic Services Laboratory, University of Chicago
Classification: Pathogenic. Last evaluated: 2022-09-13. Review status: no assertion criteria provided. Collection method: clinical testing. Allele origin: germline. Affected: yes. Not counted in ClinVar's aggregate classification.
Comment: DNA sequence analysis of the SBDS gene demonstrated a one base pair deletion in exon 1, c.120del. This sequence change results in an amino acid frameshift and creates a premature stop codon 18 amino acids downstream of the change, p.Ser41Alafs*18. This sequence change is predicted to result in an abnormal transcript, which may be degraded, or may lead to the production of a truncated SBDS protein with potentially abnormal function. This sequence change has been described in the gnomAD database in 2 individual which corresponds to a population frequency of 0.0008% ((dbSNP rs1175585213). This pathogenic sequence change has previously been described in individuals with SBDS-related disorders (PMID: 12496757, 24388329). Homozygous or compound heterozygous pathogenic variants in the SBDS gene are associated with Shwachman-Bodian-Diamond Syndrome (SBDS) [OMIM#260400]. Features of SDS include exocrine pancreatic dysfunction, growth failure, skeletal changes and hematologic abnormalities with susceptibility to myelodysplastic syndrome and acute myelogeneous leukemia. One pathogenic variant, c.258+2T>G, has been identified in individuals with aplastic anemia in the heterozygous state (PMID: 17478638). However, further studies are needed to establish the association between heterozygous pathogenic variants in SBDS and aplastic anemia. Clinical correlation is recommended.

GeneReviews
No classification provided. Condition: Shwachman-Diamond syndrome 1. Review status: no classification provided. Collection method: literature only. Allele origin: germline. Not counted in ClinVar's aggregate classification.

NM_016038.4(SBDS):c.120del (p.Ser41fs)

Gene: SBDS (SBDS ribosome maturation factor; minus strand). Cytogenetic location: 7q11.21.
Variant type: Deletion.
Coding change: c.120del on transcript NM_016038.4 (MANE Select); coding-DNA position 120, one base deleted (G; older notation c.120delG).
Protein change: p.Ser41fs; shifts the reading frame from serine 41.
Molecular consequence: frameshift variant.
Genome position (GRCh38, 1-based): chr7:66,995,298, C deleted on the plus strand (G on the coding strand, the reverse complement: SBDS is on the minus strand); the first of 2 consecutive C bases (chr7:66,995,298-66,995,299); deleting either gives the same sequence. VCF-style (leftmost placement, unchanged base first): chr7-66995297-TC-T. GRCh37 (hg19) VCF-style: chr7-66460284-TC-T.
Other names: NM_016038.4(SBDS):c.120del; p.Ser41fs; c.120del (LRG_104t1, NM_016038.3); c.120delG (NM_016038.2); short protein forms S41fs.
Identifiers: ClinVar variation 265256 (VCV000265256.11), dbSNP rs113993990, ClinGen allele CA342190.